The following is an entry in ClinVar:

ClinVar aggregate classification (germline): Uncertain significance (1 of 4 stars; one submission).

Submission:

Labcorp Genetics (formerly Invitae), Labcorp
Classification: Uncertain significance. Last evaluated: 2023-11-01. Review status: criteria provided, single submitter. Criteria: Invitae Variant Classification Sherloc (09022015). Collection method: clinical testing. Allele origin: germline.
Comment: This sequence change replaces alanine, which is neutral and non-polar, with threonine, which is neutral and polar, at codon 730 of the POLE protein (p.Ala730Thr). This variant is not present in population databases (gnomAD no frequency). This variant has not been reported in the literature in individuals affected with POLE-related conditions. Advanced modeling of protein sequence and biophysical properties (such as structural, functional, and spatial information, amino acid conservation, physicochemical variation, residue mobility, and thermodynamic stability) performed at Invitae indicates that this missense variant is not expected to disrupt POLE protein function with a negative predictive value of 80%. In summary, the available evidence is currently insufficient to determine the role of this variant in disease. Therefore, it has been classified as a Variant of Uncertain Significance.

NM_006231.4(POLE):c.2188G>A (p.Ala730Thr)

Gene: POLE (DNA polymerase epsilon, catalytic subunit; minus strand). Cytogenetic location: 12q24.33.
Variant type: single nucleotide variant.
Coding change: c.2188G>A on transcript NM_006231.4 (MANE Select); coding-DNA position 2188, G replaced by A.
Protein change: p.Ala730Thr; replaces alanine 730 with threonine.
Molecular consequence: missense variant.
Genome position (GRCh38, 1-based): chr12:132,667,634, C>T on the plus strand (G>A on the coding strand, the complement: POLE is on the minus strand). VCF-style: chr12-132667634-C-T. GRCh37 (hg19) VCF-style: chr12-133244220-C-T.
Other names: short protein forms A730T.
Identifiers: ClinVar variation 2761265 (VCV002761265.3), dbSNP rs2542090654, ClinGen allele CA387353253.
Genomic context (GRCh38, chr12:132,667,634, plus strand): 5'-CCCGCTGGCAGATGGTGGTGAGACGCTCTTCCACCTTGGTGATGTGGATCTTCTTGTAGG[C>T]TTTCCGGCAGTAATCTAAGCACGACGGAGATGGGCAGAGCAGGTGGGTGAGATCTCCCAG-3'
Protein context (NP_006222.2, residues 720-740): KRRLADYCRK[Ala730Thr]YKKIHITKVE